The following is an entry in ClinVar:

ClinVar aggregate classification (germline): Uncertain significance (1 of 4 stars; one submission).

Conditions:
Inborn genetic diseases. Identifiers: MedGen C0950123, MeSH D030342.

Submission:

Ambry Genetics
Classification: Uncertain significance for Inborn genetic diseases. Last evaluated: 2025-05-24. Review status: criteria provided, single submitter. Criteria: Ambry Variant Classification Scheme 2023. Collection method: clinical testing. Allele origin: germline.
Comment: The p.G296C variant (also known as c.886G>T), located in coding exon 4 of the LTBP3 gene, results from a G to T substitution at nucleotide position 886. The glycine at codon 296 is replaced by cysteine, an amino acid with highly dissimilar properties. This amino acid position is conserved. In addition, this alteration is predicted to be deleterious by in silico analysis. Based on the available evidence, the clinical significance of this variant remains unclear.

NM_001130144.3(LTBP3):c.886G>T (p.Gly296Cys)

Gene: LTBP3 (latent transforming growth factor beta binding protein 3; minus strand). Cytogenetic location: 11q13.1.
Variant type: single nucleotide variant.
Coding change: c.886G>T on transcript NM_001130144.3 (MANE Select); coding-DNA position 886, G replaced by T.
Protein change: p.Gly296Cys; replaces glycine 296 with cysteine.
Molecular consequence: missense variant.
Genome position (GRCh38, 1-based): chr11:65,553,509, C>A on the plus strand (G>T on the coding strand, the complement: LTBP3 is on the minus strand). VCF-style: chr11-65553509-C-A. GRCh37 (hg19) VCF-style: chr11-65320980-C-A.
Other names: c.535G>T, p.Gly179Cys (NM_001164266.1); c.886G>T, p.Gly296Cys (NM_021070.4); short protein forms G179C, G296C.
Identifiers: ClinVar variation 4049882 (VCV004049882.1).